The following is an entry in ClinVar:

ClinVar aggregate classification (germline): Uncertain significance. Review status: criteria provided, multiple submitters, no conflicts (2 of 4 stars). 2 submissions from 2 submitters: Uncertain significance (2). Last evaluated 2025-09-04.

Conditions:
HOXA2-related disorder. Also called: HOXA2-related condition.
Inborn genetic diseases. Identifiers: MedGen C0950123, MeSH D030342.

Allele frequency attached by ClinVar (database versions not stated): TOPMed 0.00001.
gnomAD v4.1: 2 of 1,500,078 alleles (0.00013%); highest among the groups gnomAD compares: Admixed American, 0.0022%; no homozygotes.

Submissions (2):

PreventionGenetics, part of Exact Sciences
Classification: Uncertain significance for HOXA2-related condition. Last evaluated: 2025-09-04. Review status: criteria provided, single submitter. Criteria: ACMG Guidelines, 2015. Collection method: clinical testing. Allele origin: germline.
Comment: The HOXA2 c.251C>G variant is predicted to result in the amino acid substitution p.Pro84Arg. To our knowledge, this variant has not been reported in the literature. This variant is reported in 0.0058% of alleles in individuals of Latino descent in gnomAD. At this time, the clinical significance of this variant is uncertain due to the absence of conclusive functional and genetic evidence.

Ambry Genetics
Classification: Uncertain significance for Inborn genetic diseases. Last evaluated: 2023-11-18. Review status: criteria provided, single submitter. Criteria: Ambry Variant Classification Scheme 2023. Collection method: clinical testing. Allele origin: germline.

NM_006735.4(HOXA2):c.251C>G (p.Pro84Arg)

Gene: HOXA2 (homeobox A2; minus strand). Cytogenetic location: 7p15.2.
Variant type: single nucleotide variant.
Coding change: c.251C>G on transcript NM_006735.4 (MANE Select); coding-DNA position 251, C replaced by G.
Protein change: p.Pro84Arg; replaces proline 84 with arginine.
Molecular consequence: missense variant.
Genome position (GRCh38, 1-based): chr7:27,102,250, G>C on the plus strand (C>G on the coding strand, the complement: HOXA2 is on the minus strand). VCF-style: chr7-27102250-G-C. GRCh37 (hg19) VCF-style: chr7-27141869-G-C.
Other names: short protein forms P84R.
Identifiers: ClinVar variation 3106560 (VCV003106560.2), dbSNP rs1355069392, ClinGen allele CA367077992.
Genomic context (GRCh38, chr7:27,102,250, plus strand): 5'-GCCGCCTTCTTCTCCTTCATCCAGGGGTACTCGGGCGGCTGCAGGGCGCCGGCGGGCACC[G>C]GGCTGCCGCGGCTGCCCGCGGGGCTCGGCTTGGGGCGGCCGCCAGCGCCGTGGCGAGGGT-3'
Protein context (NP_006726.1, residues 74-94): KPSPAGSRGS[Pro84Arg]VPAGALQPPE